The following is an entry in ClinVar:

NM_020376.4(PNPLA2):c.512A>G (p.Asp171Gly)

Gene: PNPLA2 (patatin like domain 2, triacylglycerol lipase; plus strand). Cytogenetic location: 11p15.5.
Variant type: single nucleotide variant.
Coding change: c.512A>G on transcript NM_020376.4 (MANE Select); coding-DNA position 512, A replaced by G.
Protein change: p.Asp171Gly; replaces aspartic acid 171 with glycine.
Molecular consequence: missense variant.
Genome position (GRCh38, 1-based): chr11:822,422, A>G. VCF-style: chr11-822422-A-G. GRCh37 (hg19) VCF-style: chr11-822422-A-G.
Other names: short protein forms D171G.
Identifiers: ClinVar variation 4742902 (VCV004742902.1).

ClinVar aggregate classification (germline): Uncertain significance (1 of 4 stars; one submission).

Conditions:
Neutral lipid storage myopathy (NLSDM). Also called: NEUTRAL LIPID STORAGE DISEASE WITHOUT ICHTHYOSIS. Identifiers: Orphanet 98908, MedGen C1853136, MONDO:0012545, OMIM 610717.

Submission:

Labcorp Genetics (formerly Invitae), Labcorp
Classification: Uncertain significance for Neutral lipid storage myopathy. Last evaluated: 2025-10-06. Review status: criteria provided, single submitter. Criteria: Invitae Variant Classification Sherloc (09022015). Collection method: clinical testing. Allele origin: germline.
Comment: This sequence change replaces aspartic acid, which is acidic and polar, with glycine, which is neutral and non-polar, at codon 171 of the PNPLA2 protein (p.Asp171Gly). This variant is not present in population databases (gnomAD no frequency). This variant has not been reported in the literature in individuals affected with PNPLA2-related conditions. Invitae Evidence Modeling of protein sequence and biophysical properties (such as structural, functional, and spatial information, amino acid conservation, physicochemical variation, residue mobility, and thermodynamic stability) has been performed for this missense variant. However, the output from this modeling did not meet the statistical confidence thresholds required to predict the impact of this variant on PNPLA2 protein function. In summary, the available evidence is currently insufficient to determine the role of this variant in disease. Therefore, it has been classified as a Variant of Uncertain Significance.